The following is an entry in ClinVar:

ClinVar aggregate classification (germline): Likely benign. Review status: criteria provided, multiple submitters, no conflicts (2 of 4 stars). 2 submissions from 2 submitters: Likely benign (2). Last evaluated 2023-03-01.

Allele frequency attached by ClinVar (database versions not stated): gnomAD 0.00004.
gnomAD v4.1: 58 of 1,606,610 alleles (0.0036%); highest among the groups gnomAD compares: Middle Eastern, 0.017%; no homozygotes.

Submissions (2):

CeGaT Center for Human Genetics Tuebingen
Classification: Likely benign. Last evaluated: 2023-03-01. Review status: criteria provided, single submitter. Criteria: CeGaT Center For Human Genetics Tuebingen Variant Classification Criteria Version 2. Collection method: clinical testing. Allele origin: germline. Affected: yes. Observed: 1 variant allele.
Comment: TEX15: BP4, BP7

Breakthrough Genomics
Classification: Likely benign. Review status: criteria provided, single submitter. Criteria: ACMG Guidelines, 2015. Collection method: not provided. Allele origin: germline. Inheritance: Autosomal recessive inheritance. Affected: yes.

NM_001350162.2(TEX15):c.4341G>A (p.Ser1447=)

Gene: TEX15 (testis expressed 15, meiosis and synapsis associated; minus strand). Cytogenetic location: 8p12.
Variant type: single nucleotide variant.
Coding change: c.4341G>A on transcript NM_001350162.2 (MANE Select); coding-DNA position 4341, G replaced by A.
Protein change: p.Ser1447=; no amino-acid change (serine 1447 retained).
Molecular consequence: synonymous variant.
Genome position (GRCh38, 1-based): chr8:30,845,826, C>T on the plus strand (G>A on the coding strand, the complement: TEX15 is on the minus strand). VCF-style: chr8-30845826-C-T. GRCh37 (hg19) VCF-style: chr8-30703342-C-T.
Other names: c.3192G>A, p.Ser1064= (NM_031271.3).
Identifiers: ClinVar variation 2658523 (VCV002658523.25), dbSNP rs779449393, ClinGen allele CA4703064.
Genomic context (GRCh38, chr8:30,845,826, plus strand): 5'-TTTAGAAATATCAGCTTTTGGAGCTCTTTTCTTTCTCCGTTTGTCATATTTTCTTTTTGA[C>T]GAAAAATGCTTAGTAGAATAATATTTTCTTTGAGACACAGAACTATAACCTTGAAGGTCA-3'
Protein context (NP_001337091.1, residues 1437-1457): QRKYYSTKHF[Ser1447=]SKRKYDKRRK